The following is an entry in ClinVar:

ClinVar aggregate classification (germline): Likely benign. Review status: criteria provided, multiple submitters, no conflicts (2 of 4 stars). 4 submissions from 4 submitters: Likely benign (3). 1 of the submissions does not count toward it. Last evaluated 2026-01-26.

Conditions:
POLE-related disorder. Also called: POLE-related disorders; POLE-related condition.

Allele frequency attached by ClinVar (database versions not stated): gnomAD 0.00001; TOPMed 0.00003; ExAC 0.00004; gnomAD exomes 0.00005.
gnomAD v4.1: 18 of 1,613,882 alleles (0.0011%); highest among the groups gnomAD compares: Admixed American, 0.03%; no homozygotes.

Submissions (4):

Labcorp Genetics (formerly Invitae), Labcorp
Classification: Likely benign. Last evaluated: 2026-01-26. Review status: criteria provided, single submitter. Criteria: Invitae Variant Classification Sherloc (09022015). Collection method: clinical testing. Allele origin: germline.

Quest Diagnostics Nichols Institute San Juan Capistrano
Classification: Likely benign. Last evaluated: 2019-02-26. Review status: criteria provided, single submitter. Criteria: Quest Diagnostics criteria. Collection method: clinical testing. Allele origin: germline.

GeneDx
Classification: Likely benign. Last evaluated: 2019-02-06. Review status: criteria provided, single submitter. Criteria: GeneDx Variant Classification Process June 2021. Collection method: clinical testing. Allele origin: germline. Affected: yes.

PreventionGenetics, part of Exact Sciences
Classification: Likely benign for POLE-related condition. Last evaluated: 2019-05-15. Review status: no assertion criteria provided. Collection method: clinical testing. Allele origin: germline. Not counted in ClinVar's aggregate classification.
Comment: This variant is classified as likely benign based on ACMG/AMP sequence variant interpretation guidelines (Richards et al. 2015 PMID: 25741868, with internal and published modifications).

NM_006231.4(POLE):c.720+6T>C

Gene: POLE (DNA polymerase epsilon, catalytic subunit; minus strand). Cytogenetic location: 12q24.33.
Variant type: single nucleotide variant.
Coding change: c.720+6T>C on transcript NM_006231.4 (MANE Select); 6 bases into the intron after coding-DNA position 720, T replaced by C.
Molecular consequence: intron variant.
Genome position (GRCh38, 1-based): chr12:132,677,572, A>G on the plus strand (T>C on the coding strand, the complement: POLE is on the minus strand). VCF-style: chr12-132677572-A-G. GRCh37 (hg19) VCF-style: chr12-133254158-A-G.
Identifiers: ClinVar variation 240625 (VCV000240625.18), dbSNP rs751448342, ClinGen allele CA6894226.
Genomic context (GRCh38, chr12:132,677,572, plus strand): 5'-CATAATGATCATCTCCTGGCTGTTAGGAAATTCATGTGAGCAGCGACCCAACCCTGCCCC[A>G]CTCACCACGTGGATCTTCAGGTCAATGGAGAGGCGGATGTGGTAGGGAACATCGTACTCG-3'